The following is an entry in ClinVar:

ClinVar aggregate classification (germline): Uncertain significance (1 of 4 stars; one submission).

Submission:

Labcorp Genetics (formerly Invitae), Labcorp
Classification: Uncertain significance. Last evaluated: 2020-01-08. Review status: criteria provided, single submitter. Criteria: Invitae Variant Classification Sherloc (09022015). Collection method: clinical testing. Allele origin: germline.
Comment: This variant has not been reported in the literature in individuals with PUF60-related conditions. This variant is not present in population databases (ExAC no frequency). This sequence change replaces glycine with alanine at codon 365 of the PUF60 protein (p.Gly365Ala). The glycine residue is moderately conserved and there is a small physicochemical difference between glycine and alanine. In summary, the available evidence is currently insufficient to determine the role of this variant in disease. Therefore, it has been classified as a Variant of Uncertain Significance. Algorithms developed to predict the effect of missense changes on protein structure and function (SIFT, PolyPhen-2, Align-GVGD) all suggest that this variant is likely to be tolerated, but these predictions have not been confirmed by published functional studies and their clinical significance is uncertain.

NM_078480.3(PUF60):c.1094G>C (p.Gly365Ala)

Gene: PUF60 (poly(U) binding splicing factor 60; minus strand). Cytogenetic location: 8q24.3.
Variant type: single nucleotide variant.
Coding change: c.1094G>C on transcript NM_078480.3 (MANE Select); coding-DNA position 1094, G replaced by C.
Protein change: p.Gly365Ala; replaces glycine 365 with alanine.
Molecular consequence: missense variant.
Genome position (GRCh38, 1-based): chr8:143,817,381, C>G on the plus strand (G>C on the coding strand, the complement: PUF60 is on the minus strand). VCF-style: chr8-143817381-C-G. GRCh37 (hg19) VCF-style: chr8-144899551-C-G.
Other names: c.965G>C, p.Gly322Ala (NM_001136033.3); c.1040G>C, p.Gly347Ala (NM_001271096.2); c.956G>C, p.Gly319Ala (NM_001271097.2); c.1091G>C, p.Gly364Ala (NM_001271098.2); c.1007G>C, p.Gly336Ala (NM_001271099.2); c.914G>C, p.Gly305Ala (NM_001271100.2); c.1205G>C, p.Gly402Ala (NM_001362895.2, NM_001362896.2); c.1154G>C, p.Gly385Ala (NM_001362897.2); and 1 more; short protein forms G348A, G364A, G385A, G305A, G319A, G322A, G336A, G347A.
Identifiers: ClinVar variation 948645 (VCV000948645.9), dbSNP rs1816466728, ClinGen allele CA372488298.